The following is an entry in ClinVar:

ClinVar aggregate classification (germline): Likely benign. Review status: criteria provided, single submitter (1 of 4 stars). 2 submissions from 2 submitters: Likely benign (1). 1 of the submissions does not count toward it. Last evaluated 2025-07-27.

Conditions:
Epidermodysplasia verruciformis. Identifiers: Orphanet 302, MedGen C0014522, MONDO:0009176.
TMC8-related disorder. Also called: TMC8-related condition.

Allele frequency attached by ClinVar (database versions not stated): gnomAD 0.00002; TOPMed 0.00003; gnomAD exomes 0.00006 and 0.00009; ExAC 0.00009.

Submissions (2):

Labcorp Genetics (formerly Invitae), Labcorp
Classification: Likely benign for Epidermodysplasia verruciformis. Last evaluated: 2025-07-27. Review status: criteria provided, single submitter. Criteria: Invitae Variant Classification Sherloc (09022015). Collection method: clinical testing. Allele origin: germline.

PreventionGenetics, part of Exact Sciences
Classification: Likely benign for TMC8-related condition. Last evaluated: 2019-04-05. Review status: no assertion criteria provided. Collection method: clinical testing. Allele origin: germline. Not counted in ClinVar's aggregate classification.
Comment: This variant is classified as likely benign based on ACMG/AMP sequence variant interpretation guidelines (Richards et al. 2015 PMID: 25741868, with internal and published modifications).

NM_152468.5(TMC8):c.1104G>A (p.Thr368=)

Gene: TMC8 (transmembrane channel like 8; plus strand). Cytogenetic location: 17q25.3.
Variant type: single nucleotide variant.
Coding change: c.1104G>A on transcript NM_152468.5 (MANE Select); coding-DNA position 1104, G replaced by A.
Protein change: p.Thr368=; no amino-acid change (threonine 368 retained).
Molecular consequence: synonymous variant.
Genome position (GRCh38, 1-based): chr17:78,134,986, G>A. VCF-style: chr17-78134986-G-A. GRCh37 (hg19) VCF-style: chr17-76131067-G-A.
Other names: c.1104G>A (NM_152468.4).
Identifiers: ClinVar variation 1545005 (VCV001545005.10), dbSNP rs748642267, ClinGen allele CA8796725.